The following is an entry in ClinVar:

ClinVar aggregate classification (germline): Benign. Review status: criteria provided, single submitter (1 of 4 stars). 2 submissions from 2 submitters: Benign (1). 1 of the submissions does not count toward it. Last evaluated 2025-08-29.

Conditions:
AP3B1-related disorder. Also called: AP3B1-related condition.
Hermansky-Pudlak syndrome 2 (HPS2). Also called: Platelet defects and oculocutaneous albinism. Identifiers: Orphanet 183678, Orphanet 79430, MedGen C1842362, MONDO:0011997, OMIM 608233.

Allele frequency attached by ClinVar (database versions not stated): gnomAD below 0.00001 and 0.00008; TOPMed 0.00002; gnomAD exomes 0.00037; ExAC 0.00040; 1000 Genomes Project 30x 0.00047; 1000 Genomes Project 0.00060.
gnomAD v4.1: 236 of 1,613,782 alleles (0.015%); highest among the groups gnomAD compares: South Asian, 0.24%; 2 homozygotes.

Submissions (2):

Labcorp Genetics (formerly Invitae), Labcorp
Classification: Benign for Hermansky-Pudlak syndrome 2. Last evaluated: 2025-08-29. Review status: criteria provided, single submitter. Criteria: Invitae Variant Classification Sherloc (09022015). Collection method: clinical testing. Allele origin: germline.

PreventionGenetics, part of Exact Sciences
Classification: Likely benign for AP3B1-related condition. Last evaluated: 2023-08-06. Review status: no assertion criteria provided. Collection method: clinical testing. Allele origin: germline. Not counted in ClinVar's aggregate classification.
Comment: This variant is classified as likely benign based on ACMG/AMP sequence variant interpretation guidelines (Richards et al. 2015 PMID: 25741868, with internal and published modifications).

NM_003664.5(AP3B1):c.1411A>C (p.Met471Leu)

Gene: AP3B1 (adaptor related protein complex 3 subunit beta 1; minus strand). Cytogenetic location: 5q14.1.
Variant type: single nucleotide variant.
Coding change: c.1411A>C on transcript NM_003664.5 (MANE Select); coding-DNA position 1411, A replaced by C.
Protein change: p.Met471Leu; replaces methionine 471 with leucine.
Molecular consequence: missense variant.
Genome position (GRCh38, 1-based): chr5:78,156,320, T>G on the plus strand (A>C on the coding strand, the complement: AP3B1 is on the minus strand). VCF-style: chr5-78156320-T-G. GRCh37 (hg19) VCF-style: chr5-77452144-T-G.
Other names: c.1264A>C, p.Met422Leu (NM_001271769.2); short protein forms M422L, M471L.
Identifiers: ClinVar variation 792217 (VCV000792217.11), dbSNP rs556638927, ClinGen allele CA3317074.